The following is an entry in ClinVar:

NM_007294.4(BRCA1):c.1323dup (p.Cys442fs)

Gene: BRCA1 (BRCA1 DNA repair associated; minus strand). Cytogenetic location: 17q21.31.
Variant type: Duplication.
Coding change: c.1323dup on transcript NM_007294.4 (MANE Select); coding-DNA position 1323, one base duplicated (A; older notation c.1323dupA).
Protein change: p.Cys442fs; shifts the reading frame from cysteine 442.
Molecular consequence: frameshift variant. On other transcripts: intron variant (137).
Genome position (GRCh38, 1-based): chr17:43,094,208, T duplicated on the plus strand (A on the coding strand, the reverse complement: BRCA1 is on the minus strand). VCF-style (leftmost placement, unchanged base first): chr17-43094207-A-AT. GRCh37 (hg19) VCF-style: chr17-41246224-A-AT.
Other names: c.1323dupA (NM_007294.3); c.784+536dup (NM_001408398.1, NM_001407992.1, NM_001408400.1 and 13 more transcripts); c.664+536dup (NM_001408440.1, NM_001408428.1, NM_001408441.1 and 12 more transcripts); c.670+1638dup (NM_001408418.1, NM_001408423.1, NM_001408420.1 and 2 more transcripts); c.787+536dup (NM_001407981.1, NM_007298.4, NM_001407978.1 and 19 more transcripts); c.643+536dup (NM_001408462.1, NM_001408470.1, NM_001408464.1 and 3 more transcripts); c.709+536dup (NM_001408414.1, NM_001408411.1, NM_001408415.1 and 2 more transcripts); c.577+536dup (NM_001408514.1, NM_001408485.1, NM_001408483.1 and 9 more transcripts); and 41 more; short protein forms C442fs, C395fs, C274fs, C314fs, C394fs, C400fs, C439fs, C330fs.
Identifiers: ClinVar variation 548167 (VCV000548167.2), dbSNP rs1555591939, ClinGen allele CA658824529.

ClinVar aggregate classification (germline): Pathogenic (3 of 4 stars; one submission).

Conditions:
Breast-ovarian cancer, familial, susceptibility to, 1 (BROVCA1). Also called: BRCA1 Hereditary Breast and Ovarian Cancer; OVARIAN CANCER, SUSCEPTIBILITY TO. Identifiers: Orphanet 145, MedGen C2676676, MONDO:0011450, OMIM 604370. Disease mechanism: loss of function.

Submission:

Evidence-based Network for the Interpretation of Germline Mutant Alleles (ENIGMA)
Classification: Pathogenic for Breast-ovarian cancer, familial, susceptibility to, 1. Last evaluated: 2017-12-15. Review status: reviewed by expert panel. Criteria: ENIGMA BRCA1/2 Classification Criteria (2017-06-29). Collection method: curation. Allele origin: germline. Study: ENIGMA.
Comment: Variant allele predicted to encode a truncated non-functional protein.